The following is an entry in ClinVar:

ClinVar aggregate classification (germline): Uncertain significance (1 of 4 stars; one submission).

Conditions:
Renal cell carcinoma. Identifiers: Orphanet 217071, MedGen C0007134, MeSH D002292, MONDO:0005086, HP:0005584.

Submission:

Labcorp Genetics (formerly Invitae), Labcorp
Classification: Uncertain significance for Renal cell carcinoma. Last evaluated: 2023-02-01. Review status: criteria provided, single submitter. Criteria: Invitae Variant Classification Sherloc (09022015). Collection method: clinical testing. Allele origin: germline.
Comment: This variant, c.2639_2659del, results in the deletion of 7 amino acid(s) of the MET protein (p.Gly880_Glu886del), but otherwise preserves the integrity of the reading frame. This variant is not present in population databases (gnomAD no frequency). This variant has not been reported in the literature in individuals affected with MET-related conditions. Algorithms developed to predict the effect of sequence changes on RNA splicing suggest that this variant may disrupt the consensus splice site. In summary, the available evidence is currently insufficient to determine the role of this variant in disease. Therefore, it has been classified as a Variant of Uncertain Significance.

NM_000245.4(MET):c.2585_2605del (p.Gly862_Glu868del)

Gene: MET (MET proto-oncogene, receptor tyrosine kinase; plus strand). Cytogenetic location: 7q31.2.
Variant type: Deletion.
Coding change: c.2585_2605del on transcript NM_000245.4 (MANE Select); coding-DNA positions 2585 to 2605, 21 bases deleted (GAAATGATATTGACCCTGAAG).
Protein change: p.Gly862_Glu868del.
Molecular consequence: inframe deletion.
Genome position (GRCh38, 1-based): chr7:116,769,646-116,769,666, GAAATGATATTGACCCTGAAG deleted; deleting any 21 consecutive bases within chr7:116,769,645-116,769,666 gives the same sequence; the c. name uses the placement nearest the transcript's 3' end. VCF-style (leftmost placement, unchanged base first): chr7-116769644-GGGAAATGATATTGACCCTGAA-G. GRCh37 (hg19) VCF-style: chr7-116409698-GGGAAATGATATTGACCCTGAA-G.
Other names: c.2639_2659del, p.Gly880_Glu886del (NM_001127500.3); c.2585_2605del, p.Gly862_Glu868del (NM_001324401.3); c.1295_1315del, p.Gly432_Glu438del (NM_001324402.2).
Identifiers: ClinVar variation 2833380 (VCV002833380.3), dbSNP rs2485766420, ClinGen allele CA2739279961.